The following is an entry in ClinVar:

NM_001282112.2(TOP3B):c.1655-6T>C

Gene: TOP3B (DNA topoisomerase III beta; minus strand). Cytogenetic location: 22q11.22.
Variant type: single nucleotide variant.
Coding change: c.1655-6T>C on transcript NM_001282112.2 (MANE Select); 6 bases into the intron before coding-DNA position 1655, T replaced by C.
Molecular consequence: intron variant.
Genome position (GRCh38, 1-based): chr22:21,959,742, A>G on the plus strand (T>C on the coding strand, the complement: TOP3B is on the minus strand). VCF-style: chr22-21959742-A-G. GRCh37 (hg19) VCF-style: chr22-22314114-A-G.
Other names: c.1655-6T>C (NM_001282113.2, NM_001349847.2, NM_001349845.2 and 1 more transcripts); c.1247-6T>C (NM_001349848.2, NM_001349851.2, NM_001349850.2 and 1 more transcripts).
Identifiers: ClinVar variation 784890 (VCV000784890.5), dbSNP rs141517762, ClinGen allele CA10125468.

ClinVar aggregate classification (germline): Benign. Review status: criteria provided, single submitter (1 of 4 stars). 2 submissions from 2 submitters: Benign (1). 1 of the submissions does not count toward it. Last evaluated 2018-08-15.

Conditions:
TOP3B-related disorder. Also called: TOP3B-related condition.

Allele frequency attached by ClinVar (database versions not stated): ESP Exome Variant Server 0.00023; TOPMed 0.00095; gnomAD exomes 0.00099 and 0.00273; gnomAD 0.00160 and 0.00175; 1000 Genomes Project 30x 0.00234; ExAC 0.00238; 1000 Genomes Project 0.00260.
gnomAD v4.1: 1,712 of 1,611,896 alleles (0.11%); highest among the groups gnomAD compares: East Asian, 0.97%; 14 homozygotes.

Submissions (2):

Labcorp Genetics (formerly Invitae), Labcorp
Classification: Benign. Last evaluated: 2018-08-15. Review status: criteria provided, single submitter. Criteria: Invitae Variant Classification Sherloc (09022015). Collection method: clinical testing. Allele origin: germline.

PreventionGenetics, part of Exact Sciences
Classification: Likely benign for TOP3B-related condition. Last evaluated: 2019-02-27. Review status: no assertion criteria provided. Collection method: clinical testing. Allele origin: germline. Not counted in ClinVar's aggregate classification.
Comment: This variant is classified as likely benign based on ACMG/AMP sequence variant interpretation guidelines (Richards et al. 2015 PMID: 25741868, with internal and published modifications).